The following is an entry in ClinVar:

ClinVar aggregate classification (germline): Uncertain significance (1 of 4 stars; one submission).

Conditions:
Hereditary cancer-predisposing syndrome. Also called: Neoplastic Syndromes, Hereditary; Tumor predisposition; Hereditary neoplastic syndrome; Hereditary Cancer Syndrome. Identifiers: Orphanet 140162, MedGen C0027672, MeSH D009386, MONDO:0015356.

Submission:

Ambry Genetics
Classification: Uncertain significance for Hereditary cancer-predisposing syndrome. Last evaluated: 2026-07-22. Review status: criteria provided, single submitter. Criteria: Ambry Variant Classification Scheme 2023. Collection method: clinical testing. Allele origin: germline.
Comment: The p.Q184K variant (also known as c.550C>A), located in coding exon 3 of the PTCH1 gene, results from a C to A substitution at nucleotide position 550. The glutamine at codon 184 is replaced by lysine, an amino acid with similar properties. This amino acid position is well conserved in available vertebrate species. In addition, this alteration is predicted to be tolerated by in silico analysis. Based on the available evidence, the clinical significance of this variant remains unclear.

NM_000264.5(PTCH1):c.550C>A (p.Gln184Lys)

Gene: PTCH1 (patched 1; minus strand). Cytogenetic location: 9q22.32.
Variant type: single nucleotide variant.
Coding change: c.550C>A on transcript NM_000264.5 (MANE Select); coding-DNA position 550, C replaced by A.
Protein change: p.Gln184Lys; replaces glutamine 184 with lysine.
Molecular consequence: missense variant. On other transcripts: non-coding transcript variant (1).
Genome position (GRCh38, 1-based): chr9:95,485,719, G>T on the plus strand (C>A on the coding strand, the complement: PTCH1 is on the minus strand). VCF-style: chr9-95485719-G-T. GRCh37 (hg19) VCF-style: chr9-98248001-G-T.
Other names: c.352C>A, p.Gln118Lys (NM_001083602.3, NM_001354919.2); c.547C>A, p.Gln183Lys (NM_001083603.3); c.97C>A, p.Gln33Lys (NM_001083604.3, NM_001083605.3, NM_001083606.3 and 1 more transcripts); c.550C>A, p.Gln184Lys (NM_001354918.2); short protein forms Q183K, Q33K, Q118K, Q184K.
Identifiers: ClinVar variation 5027522 (VCV005027522.1).
Genomic context (GRCh38, chr9:95,485,719, plus strand): 5'-TAGTAGGTGGACGCGGCGGGCCTTACCTGTTGTACATGTATACATGGACACGGCTGGCCT[G>T]GAGTGCCGAGTCCAGGTGTTGTAGGAGCGCTTCTGTGGTCAGGACATTAGCACCTTCTTC-3'
Protein context (NP_000255.2, residues 174-194): ALLQHLDSAL[Gln184Lys]ASRVHVYMYN